The following is an entry in ClinVar:

ClinVar aggregate classification (germline): Uncertain significance (1 of 4 stars; one submission).

Submission:

Labcorp Genetics (formerly Invitae), Labcorp
Classification: Uncertain significance. Last evaluated: 2024-04-15. Review status: criteria provided, single submitter. Criteria: Invitae Variant Classification Sherloc (09022015). Collection method: clinical testing. Allele origin: germline.
Comment: This sequence change replaces glycine, which is neutral and non-polar, with arginine, which is basic and polar, at codon 1026 of the CFH protein (p.Gly1026Arg). This variant is not present in population databases (gnomAD no frequency). This variant has not been reported in the literature in individuals affected with CFH-related conditions. An algorithm developed to predict the effect of missense changes on protein structure and function (PolyPhen-2) suggests that this variant is likely to be disruptive. Algorithms developed to predict the effect of sequence changes on RNA splicing suggest that this variant may disrupt the consensus splice site. In summary, the available evidence is currently insufficient to determine the role of this variant in disease. Therefore, it has been classified as a Variant of Uncertain Significance.

NM_000186.4(CFH):c.3076G>A (p.Gly1026Arg)

Gene: CFH (complement factor H; plus strand). Cytogenetic location: 1q31.3.
Variant type: single nucleotide variant.
Coding change: c.3076G>A on transcript NM_000186.4 (MANE Select); coding-DNA position 3076, G replaced by A.
Protein change: p.Gly1026Arg; replaces glycine 1026 with arginine.
Molecular consequence: missense variant.
Genome position (GRCh38, 1-based): chr1:196,741,994, G>A. VCF-style: chr1-196741994-G-A. GRCh37 (hg19) VCF-style: chr1-196711124-G-A.
Other names: short protein forms G1026R.
Identifiers: ClinVar variation 2768767 (VCV002768767.3), dbSNP rs2529545337, ClinGen allele CA343981824.